The following is an entry in ClinVar:

ClinVar aggregate classification (germline): Uncertain significance. Review status: criteria provided, multiple submitters, no conflicts (2 of 4 stars). 2 submissions from 2 submitters: Uncertain significance (2). Last evaluated 2024-12-04.

Conditions:
Congenital contractural arachnodactyly (CCA). Also called: Beals-Hecht syndrome; BEALS SYNDROME; Arthrogryposis, distal, type 9. Identifiers: Orphanet 115, MedGen C0220668, MONDO:0007363, OMIM 121050.

Submissions (2):

GeneDx
Classification: Uncertain significance. Last evaluated: 2024-12-04. Review status: criteria provided, single submitter. Criteria: GeneDx Variant Classification Process June 2021. Collection method: clinical testing. Allele origin: germline. Affected: yes.
Comment: Not observed at significant frequency in large population cohorts (gnomAD); In silico analysis supports that this missense variant has a deleterious effect on protein structure/function; In silico analysis supports a deleterious effect on splicing; Although located in a calcium-binding EGF-like domain of the FBN2 gene, it does not substitute or introduce a cysteine residue (PMID: 19006240, 18767143); Has not been previously published as pathogenic or benign to our knowledge; This variant is associated with the following publications: (PMID: 12938084, 18767143)

Labcorp Genetics (formerly Invitae), Labcorp
Classification: Uncertain significance for Congenital contractural arachnodactyly. Last evaluated: 2019-04-08. Review status: criteria provided, single submitter. Criteria: Invitae Variant Classification Sherloc (09022015). Collection method: clinical testing. Allele origin: germline.
Comment: In summary, the available evidence is currently insufficient to determine the role of this variant in disease. Therefore, it has been classified as a Variant of Uncertain Significance. Nucleotide substitutions within the consensus splice site are a relatively common cause of aberrant splicing (PMID: 17576681, 9536098). Algorithms developed to predict the effect of sequence changes on RNA splicing suggest that this variant may disrupt the consensus splice site, but this prediction has not been confirmed by published transcriptional studies. Algorithms developed to predict the effect of missense changes on protein structure and function are either unavailable or do not agree on the potential impact of this missense change (SIFT: "Deleterious"; PolyPhen-2: "Probably Damaging"; Align-GVGD: "Class C15"). This variant has not been reported in the literature in individuals with FBN2-related conditions. ClinVar contains an entry for this variant (Variation ID: 213330). This variant is not present in population databases (ExAC no frequency). This sequence change replaces aspartic acid with asparagine at codon 1532 of the FBN2 protein (p.Asp1532Asn). The aspartic acid residue is highly conserved and there is a small physicochemical difference between aspartic acid and asparagine. This variant also falls at the last nucleotide of exon 35 of the FBN2 coding sequence, which is part of the consensus splice site for this exon.

Literature cited by the submitters: PubMed 17576681 (cited by Labcorp Genetics (formerly Invitae), Labcorp); PubMed 9536098 (cited by Labcorp Genetics (formerly Invitae), Labcorp).

NM_001999.4(FBN2):c.4594G>A (p.Asp1532Asn)

Gene: FBN2 (fibrillin 2; minus strand). Cytogenetic location: 5q23.3.
Variant type: single nucleotide variant.
Coding change: c.4594G>A on transcript NM_001999.4 (MANE Select); coding-DNA position 4594, G replaced by A.
Protein change: p.Asp1532Asn; replaces aspartic acid 1532 with asparagine.
Molecular consequence: missense variant.
Genome position (GRCh38, 1-based): chr5:128,318,879, C>T on the plus strand (G>A on the coding strand, the complement: FBN2 is on the minus strand). VCF-style: chr5-128318879-C-T. GRCh37 (hg19) VCF-style: chr5-127654571-C-T.
Other names: short protein forms D1532N.
Identifiers: ClinVar variation 213330 (VCV000213330.13), dbSNP rs863223574, ClinGen allele CA321477.
Genomic context (GRCh38, chr5:128,318,879, plus strand): 5'-TTAGCACAGAATACTCATTTCAATGAATCAGAACACAACTTAGCTGGTAACTGACCATAC[C>T]TGTACAGTTCCCTCCTGTTCTGTCCAATTCATAACCATCATCGCAGATGCAATGAAACAT-3'
Protein context (NP_001990.2, residues 1522-1542): ELDRTGGNCT[Asp1532Asn]IDECADPINC